The following is an entry in ClinVar:

ClinVar aggregate classification (germline): Pathogenic (1 of 4 stars; one submission).

Allele frequency attached by ClinVar (database versions not stated): ExAC 0.00002.

Submission:

Labcorp Genetics (formerly Invitae), Labcorp
Classification: Pathogenic. Last evaluated: 2023-01-22. Review status: criteria provided, single submitter. Criteria: Invitae Variant Classification Sherloc (09022015). Collection method: clinical testing. Allele origin: germline.
Comment: This sequence change creates a premature translational stop signal (p.Gln14*) in the LOX gene. It is expected to result in an absent or disrupted protein product. Loss-of-function variants in LOX are known to be pathogenic (PMID: 12417550, 26838787, 27432961). This variant is not present in population databases (gnomAD no frequency). This variant has not been reported in the literature in individuals affected with LOX-related conditions. For these reasons, this variant has been classified as Pathogenic.

Literature cited by the submitters: PubMed 12417550; PubMed 26838787; PubMed 27432961.

NM_002317.7(LOX):c.40C>T (p.Gln14Ter)

Genes: LOX (lysyl oxidase; minus strand), SRFBP1 (serum response factor binding protein 1; plus strand). Cytogenetic location: 5q23.1.
Variant type: single nucleotide variant.
Coding change: c.40C>T on transcript NM_002317.7 (MANE Select); coding-DNA position 40, C replaced by T.
Protein change: p.Gln14Ter; replaces glutamine 14 with a stop codon.
Molecular consequence: nonsense.
Genome position (GRCh38, 1-based): chr5:122,077,946, G>A on the plus strand (C>T on the coding strand, the complement: LOX is on the minus strand). VCF-style: chr5-122077946-G-A. GRCh37 (hg19) VCF-style: chr5-121413641-G-A.
Other names: short protein forms Q14*.
Identifiers: ClinVar variation 2816479 (VCV002816479.3), dbSNP rs764190606, ClinGen allele CA3384138.
Genomic context (GRCh38, chr5:122,077,946, plus strand): 5'-CGCGCGGGGGCTGCTGTTGGCCGGCGGCGGGAGGGGCGCAGTGCACTAGCGCGCAGAGCT[G>A]CAAAGGCCCGAGCAGGAGCACGGTCCAGGCGAAGCGCATCACTCCTTTTGCCAGATTGAC-3'